The following is an entry in ClinVar:

ClinVar aggregate classification (germline): Uncertain significance (1 of 4 stars; one submission).

Conditions:
Nephronophthisis. Also called: Juvenile Nephronophthisis. Identifiers: Orphanet 655, MedGen C0687120, MONDO:0019005, HP:0000090.

gnomAD v4.1: 20 of 1,588,762 alleles (0.0013%); highest among the groups gnomAD compares: Non-Finnish European, 0.0015%; no homozygotes.

Submission:

Labcorp Genetics (formerly Invitae), Labcorp
Classification: Uncertain significance for Nephronophthisis. Last evaluated: 2024-10-25. Review status: criteria provided, single submitter. Criteria: Invitae Variant Classification Sherloc (09022015). Collection method: clinical testing. Allele origin: germline.
Comment: This sequence change replaces leucine, which is neutral and non-polar, with phenylalanine, which is neutral and non-polar, at codon 465 of the GLIS2 protein (p.Leu465Phe). The frequency data for this variant in the population databases is considered unreliable, as metrics indicate poor data quality at this position in the gnomAD database. This variant has not been reported in the literature in individuals affected with GLIS2-related conditions. ClinVar contains an entry for this variant (Variation ID: 1492600). Experimental studies and prediction algorithms are not available or were not evaluated, and the functional significance of this variant is currently unknown. In summary, the available evidence is currently insufficient to determine the role of this variant in disease. Therefore, it has been classified as a Variant of Uncertain Significance.

NM_032575.3(GLIS2):c.1393C>T (p.Leu465Phe)

Gene: GLIS2 (GLIS family zinc finger 2; plus strand). Cytogenetic location: 16p13.3.
Variant type: single nucleotide variant.
Coding change: c.1393C>T on transcript NM_032575.3 (MANE Select); coding-DNA position 1393, C replaced by T.
Protein change: p.Leu465Phe; replaces leucine 465 with phenylalanine.
Molecular consequence: missense variant.
Genome position (GRCh38, 1-based): chr16:4,337,342, C>T. VCF-style: chr16-4337342-C-T. GRCh37 (hg19) VCF-style: chr16-4387343-C-T.
Other names: c.1393C>T, p.Leu465Phe (NM_001318918.2); short protein forms L465F.
Identifiers: ClinVar variation 1492600 (VCV001492600.6), dbSNP rs774316267, ClinGen allele CA7873254.
Genomic context (GRCh38, chr16:4,337,342, plus strand): 5'-GAGAAGGGGCGTGGGTCGGTGCCCACCAGGGCCCTGGGCATGGAGGGCCACAAGACGCCC[C>T]TTGAAAGGACGGAGAGCAGCTGCTCCCGGCCAAGCCCCGATGGACTCCCCCTGCTGCCAG-3'
Protein context (NP_115964.2, residues 455-475): ALGMEGHKTP[Leu465Phe]ERTESSCSRP